The following is an entry in ClinVar:

NM_018418.5(SPATA7):c.1490A>G (p.Lys497Arg)

Gene: SPATA7 (spermatogenesis associated 7; plus strand). Cytogenetic location: 14q31.3.
Variant type: single nucleotide variant.
Coding change: c.1490A>G on transcript NM_018418.5 (MANE Select); coding-DNA position 1490, A replaced by G.
Protein change: p.Lys497Arg; replaces lysine 497 with arginine.
Molecular consequence: missense variant.
Genome position (GRCh38, 1-based): chr14:88,438,112, A>G. VCF-style: chr14-88438112-A-G. GRCh37 (hg19) VCF-style: chr14-88904456-A-G.
Other names: c.1394A>G, p.Lys465Arg (NM_001040428.4); short protein forms K497R, K465R.
Identifiers: ClinVar variation 497983 (VCV000497983.12), dbSNP rs142122029, ClinGen allele CA7298823.

ClinVar aggregate classification (germline): Conflicting classifications of pathogenicity. Review status: criteria provided, conflicting classifications (1 of 4 stars). 3 submissions from 3 submitters: Uncertain significance (2); Benign (1). Last evaluated 2026-02-02.

Conditions:
Leber congenital amaurosis 3 (LCA3). Also called: SPATA7-Related Retinitis Pigmentosa. Identifiers: MedGen C1858677, MONDO:0011415, OMIM 604232.

Allele frequency attached by ClinVar (database versions not stated): gnomAD exomes 0.00003 and 0.00011; 1000 Genomes Project 30x 0.00016; ExAC 0.00017; 1000 Genomes Project 0.00020; gnomAD 0.00036 and 0.00041; TOPMed 0.00045; ESP Exome Variant Server 0.00069.
gnomAD v4.1: 105 of 1,614,090 alleles (0.0065%); highest among the groups gnomAD compares: African/African-American, 0.13%; no homozygotes.

Submissions (4):

Labcorp Genetics (formerly Invitae), Labcorp
Classification: Uncertain significance for Leber congenital amaurosis 3. Last evaluated: 2026-02-02. Review status: criteria provided, single submitter. Criteria: Invitae Variant Classification Sherloc (09022015). Collection method: clinical testing. Allele origin: germline.
Comment: This sequence change replaces lysine, which is basic and polar, with arginine, which is basic and polar, at codon 497 of the SPATA7 protein (p.Lys497Arg). This variant is present in population databases (rs142122029, gnomAD 0.1%). This variant has not been reported in the literature in individuals affected with SPATA7-related conditions. ClinVar contains an entry for this variant (Variation ID: 497983). Invitae Evidence Modeling of protein sequence and biophysical properties (such as structural, functional, and spatial information, amino acid conservation, physicochemical variation, residue mobility, and thermodynamic stability) indicates that this missense variant is not expected to disrupt SPATA7 protein function with a negative predictive value of 80%. In summary, the available evidence is currently insufficient to determine the role of this variant in disease. Therefore, it has been classified as a Variant of Uncertain Significance.

Blueprint Genetics
Classification: Benign. Last evaluated: 2022-03-21. Review status: criteria provided, single submitter. Criteria: ACMG Guidelines, 2015. Collection method: clinical testing. Allele origin: germline.

Eurofins Ntd Llc (ga)
Classification: Uncertain significance. Last evaluated: 2016-11-04. Review status: criteria provided, single submitter. Criteria: EGL Classification Definitions 2015. Collection method: clinical testing. Allele origin: germline. Observed: 1 variant allele, 1 heterozygote.

Dr. Peter K. Rogan Lab, Western University
No classification provided (evidence only). Condition: Uterine corpus endometrial carcinoma. Review status: no classification provided. Collection method: in vitro. Allele origin: not applicable. Functional consequence: retained intron. Not counted in ClinVar's aggregate classification.